The following is an entry in ClinVar:

ClinVar aggregate classification (germline): Uncertain significance (1 of 4 stars; one submission).

Conditions:
Mevalonic aciduria (MEVA). Identifiers: Orphanet 29, MedGen C1959626, MONDO:0012481, OMIM 610377.
Porokeratosis 3, disseminated superficial actinic type (POROK3). Also called: POROKERATOSIS, DISSEMINATED SUPERFICIAL ACTINIC, 1; POROKERATOSIS 3, MIBELLI TYPE; POROKERATOSIS 3, MULTIPLE TYPES. Identifiers: MedGen C1867981, MONDO:0008293, OMIM 175900.
Hyperimmunoglobulin D with periodic fever (HIDS). Also called: HYPERIMMUNOGLOBULINEMIA D AND PERIODIC FEVER SYNDROME; Hyperimmunoglobulinemia D; Hyperimmunoglobulinemia D with periodic fever. Identifiers: Orphanet 343, MedGen C0398691, MONDO:0009849, OMIM 260920.

Submission:

Labcorp Genetics (formerly Invitae), Labcorp
Classification: Uncertain significance for Mevalonic aciduria; Hyperimmunoglobulin D with periodic fever; Porokeratosis 3, disseminated superficial actinic type. Last evaluated: 2025-09-05. Review status: criteria provided, single submitter. Criteria: Invitae Variant Classification Sherloc (09022015). Collection method: clinical testing. Allele origin: germline.
Comment: This sequence change replaces glutamic acid, which is acidic and polar, with lysine, which is basic and polar, at codon 89 of the MVK protein (p.Glu89Lys). This variant is not present in population databases (gnomAD no frequency). This variant has not been reported in the literature in individuals affected with MVK-related conditions. Invitae Evidence Modeling of protein sequence and biophysical properties (such as structural, functional, and spatial information, amino acid conservation, physicochemical variation, residue mobility, and thermodynamic stability) has been performed for this missense variant. However, the output from this modeling did not meet the statistical confidence thresholds required to predict the impact of this variant on MVK protein function. In summary, the available evidence is currently insufficient to determine the role of this variant in disease. Therefore, it has been classified as a Variant of Uncertain Significance.

NM_000431.4(MVK):c.265G>A (p.Glu89Lys)

Gene: MVK (mevalonate kinase; plus strand). Cytogenetic location: 12q24.11.
Variant type: single nucleotide variant.
Coding change: c.265G>A on transcript NM_000431.4 (MANE Select); coding-DNA position 265, G replaced by A.
Protein change: p.Glu89Lys; replaces glutamic acid 89 with lysine.
Molecular consequence: missense variant. On other transcripts: 5 prime UTR variant (1), non-coding transcript variant (2).
Genome position (GRCh38, 1-based): chr12:109,579,840, G>A. VCF-style: chr12-109579840-G-A. GRCh37 (hg19) VCF-style: chr12-110017645-G-A.
Other names: c.265G>A, p.Glu89Lys (NM_001114185.3, NM_001301182.2, NM_001414511.1 and 3 more transcripts); c.-318G>A (NM_001414515.1); short protein forms E89K.
Identifiers: ClinVar variation 4783709 (VCV004783709.1).